The following is an entry in ClinVar:

ClinVar aggregate classification (germline): Pathogenic (1 of 4 stars; one submission).

Submission:

Quest Diagnostics Nichols Institute San Juan Capistrano
Classification: Pathogenic. Last evaluated: 2023-05-31. Review status: criteria provided, single submitter. Criteria: ACMG/ClinGen CNV Guidelines, 2019. Collection method: clinical testing. Allele origin: unknown.
Comment: Terminal 5p copy number gains of variable sizes have been reported in patients with a range of phenotypic features. Smaller duplications in the distal portion of 5p13.33 are most often associated with presentations of intellectual disability and dysmorphic facial features (Zenger-Hain 1993, de Carvalho 2008, Cervera 2005, Fritz 2001). Based on gene content and current medical literature, this copy number variant (CNV) is classified as pathogenic. _x000D__x000D_ References: Cervera et al., Am J Med Genet A. 2005 Aug 1;136A(4):381-5. PMID: 16001443 de Carvalho et al., Hum Genet. 2008 Nov;124(4):387-92. PMID: 18777129 Fritz et al., J Med Genet. 2001 Aug;38(8):559-65. PMID: 11494970 Zenger-Hain et al., Am J Med Genet. 1993 Dec 1;47(8):1198-201. PMID: 8291556

GRCh37/hg19 5p15.33-14.1(chr5:113577-27800913)x3

Genes: ADAMTS16 (ADAM metallopeptidase with thrombospondin type 1 motif 16; plus strand), ADCY2 (adenylate cyclase 2; plus strand), AHRR (aryl hydrocarbon receptor repressor; plus strand), ANKH (ANKH inorganic pyrophosphate transport regulator; minus strand), ANKRD33B (ankyrin repeat domain 33B; plus strand) and 64 more. Cytogenetic location: 5p15.33-14.1.
Variant type: copy number gain.
Change: copy number 3 (three copies instead of two) of chr5:113,577-27,800,913 (27.69 Mb, GRCh37 coordinates, 1-based), cytogenetic band 5p15.33-14.1.
Identifiers: ClinVar variation 2684403 (VCV002684403.1).